The following is an entry in ClinVar:

NM_001042681.2(RERE):c.3618+17C>T

Gene: RERE (arginine-glutamic acid dipeptide repeats; minus strand). Cytogenetic location: 1p36.23.
Variant type: single nucleotide variant.
Coding change: c.3618+17C>T on transcript NM_001042681.2 (MANE Select); 17 bases into the intron after coding-DNA position 3618, C replaced by T.
Molecular consequence: intron variant.
Genome position (GRCh38, 1-based): chr1:8,359,747, G>A on the plus strand (C>T on the coding strand, the complement: RERE is on the minus strand). VCF-style: chr1-8359747-G-A. GRCh37 (hg19) VCF-style: chr1-8419807-G-A.
Other names: c.3618+17C>T (NM_012102.4); c.1956+17C>T (NM_001042682.2).
Identifiers: ClinVar variation 1987502 (VCV001987502.8), dbSNP rs201579145, ClinGen allele CA571074.

ClinVar aggregate classification (germline): Benign/Likely benign. Review status: criteria provided, multiple submitters, no conflicts (2 of 4 stars). 3 submissions from 3 submitters: Benign (1); Likely benign (2). Last evaluated 2026-06-01.

Allele frequency attached by ClinVar (database versions not stated): gnomAD exomes 0.00006; gnomAD 0.00010; TOPMed 0.00015; ExAC 0.00027; 1000 Genomes Project 30x 0.00047; 1000 Genomes Project 0.00060.
gnomAD v4.1: 102 of 1,597,592 alleles (0.0064%); highest among the groups gnomAD compares: East Asian, 0.19%; no homozygotes.

Submissions (4):

CeGaT Center for Human Genetics Tuebingen
Classification: Likely benign. Last evaluated: 2026-06-01. Review status: criteria provided, single submitter. Criteria: CeGaT Center For Human Genetics Tuebingen Variant Classification Criteria Version 2. Collection method: clinical testing. Allele origin: germline. Affected: yes. Observed: 1 variant allele.
Comment: RERE: PP3, BS1

Blueprint Genetics
Classification: Likely benign. Last evaluated: 2024-10-30. Review status: criteria provided, single submitter. Criteria: ACMG Guidelines, 2015. Collection method: clinical testing. Allele origin: germline.

Labcorp Genetics (formerly Invitae), Labcorp
Classification: Benign. Last evaluated: 2024-05-06. Review status: criteria provided, single submitter. Criteria: Invitae Variant Classification Sherloc (09022015). Collection method: clinical testing. Allele origin: germline.

Dr. Peter K. Rogan Lab, Western University
No classification provided (evidence only). Condition: Malignant tumor of esophagus. Review status: no classification provided. Collection method: in vitro. Allele origin: not applicable. Functional consequence: retained intron. Not counted in ClinVar's aggregate classification.